The following is an entry in ClinVar:

ClinVar aggregate classification (germline): Uncertain significance. Review status: criteria provided, multiple submitters, no conflicts (2 of 4 stars). 2 submissions from 2 submitters: Uncertain significance (2). Last evaluated 2024-04-09.

Conditions:
Curry-Hall syndrome (WAD). Also called: WEYERS ACRODENTAL DYSOSTOSIS. Identifiers: Orphanet 952, MedGen C0457013, MONDO:0008673, OMIM 193530.
Ellis-van Creveld syndrome (EVC). Also called: MESOECTODERMAL DYSPLASIA; Chondroectodermal dysplasia. Identifiers: Orphanet 289, MedGen C0013903, MONDO:0009162, OMIM 225500.

Submissions (2):

Labcorp Genetics (formerly Invitae), Labcorp
Classification: Uncertain significance for Curry-Hall syndrome; Ellis-van Creveld syndrome. Last evaluated: 2024-04-09. Review status: criteria provided, single submitter. Criteria: Invitae Variant Classification Sherloc (09022015). Collection method: clinical testing. Allele origin: germline.
Comment: This sequence change replaces leucine, which is neutral and non-polar, with valine, which is neutral and non-polar, at codon 292 of the EVC2 protein (p.Leu292Val). This variant is not present in population databases (gnomAD no frequency). This variant has not been reported in the literature in individuals affected with EVC2-related conditions. ClinVar contains an entry for this variant (Variation ID: 1224462). Algorithms developed to predict the effect of missense changes on protein structure and function output the following: SIFT: "Not Available"; PolyPhen-2: "Benign"; Align-GVGD: "Not Available". The valine amino acid residue is found in multiple mammalian species, which suggests that this missense change does not adversely affect protein function. In summary, the available evidence is currently insufficient to determine the role of this variant in disease. Therefore, it has been classified as a Variant of Uncertain Significance.

Blueprint Genetics
Classification: Uncertain significance. Last evaluated: 2019-05-23. Review status: criteria provided, single submitter. Criteria: ACMG Guidelines, 2015. Collection method: clinical testing. Allele origin: germline.

NM_147127.5(EVC2):c.874C>G (p.Leu292Val)

Gene: EVC2 (EvC ciliary complex subunit 2; minus strand). Cytogenetic location: 4p16.2.
Variant type: single nucleotide variant.
Coding change: c.874C>G on transcript NM_147127.5 (MANE Select); coding-DNA position 874, C replaced by G.
Protein change: p.Leu292Val; replaces leucine 292 with valine.
Molecular consequence: missense variant.
Genome position (GRCh38, 1-based): chr4:5,665,646, G>C on the plus strand (C>G on the coding strand, the complement: EVC2 is on the minus strand). VCF-style: chr4-5665646-G-C. GRCh37 (hg19) VCF-style: chr4-5667373-G-C.
Other names: c.634C>G, p.Leu212Val (NM_001166136.2); short protein forms L212V, L292V.
Identifiers: ClinVar variation 1224462 (VCV001224462.4), dbSNP rs772759691, ClinGen allele CA356143448.